The following is an entry in ClinVar:

NM_001572.5(IRF7):c.1088G>A (p.Gly363Glu)

Gene: IRF7 (interferon regulatory factor 7; minus strand). Cytogenetic location: 11p15.5.
Variant type: single nucleotide variant.
Coding change: c.1088G>A on transcript NM_001572.5 (MANE Select); coding-DNA position 1088, G replaced by A.
Protein change: p.Gly363Glu; replaces glycine 363 with glutamic acid.
Molecular consequence: missense variant.
Genome position (GRCh38, 1-based): chr11:613,355, C>T on the plus strand (G>A on the coding strand, the complement: IRF7 is on the minus strand). VCF-style: chr11-613355-C-T. GRCh37 (hg19) VCF-style: chr11-613355-C-T.
Other names: c.1001G>A, p.Gly334Glu (NM_004029.4); c.1127G>A, p.Gly376Glu (NM_004031.4); short protein forms G363E, G334E, G376E.
Identifiers: ClinVar variation 847664 (VCV000847664.13), dbSNP rs1280048947, ClinGen allele CA378978947.
Genomic context (GRCh38, chr11:613,355, plus strand): 5'-GGTCCGCCCACCTCCCAGTACACCTTGCACTTGCCCATGCGCCGGGCCCACAGCTGTGGC[C>T]CCCGAAGCTCCAGGTGCAACCCAGGGGCCACGTGCCGCAGCAGTTCCTCCGTGTAGCGCA-3'
Protein context (NP_001563.2, residues 353-373): VAPGLHLELR[Gly363Glu]PQLWARRMGK

ClinVar aggregate classification (germline): Uncertain significance. Review status: criteria provided, multiple submitters, no conflicts (2 of 4 stars). 2 submissions from 2 submitters: Uncertain significance (2). Last evaluated 2023-02-07.

Conditions:
Immunodeficiency 39 (IMD39). Identifiers: Orphanet 574918, MedGen C4225358, MONDO:0014597, OMIM 616345.

Allele frequency attached by ClinVar (database versions not stated): gnomAD exomes below 0.00001; TOPMed below 0.00001; gnomAD 0.00001.

Submissions (2):

Ambry Genetics
Classification: Uncertain significance. Last evaluated: 2023-02-07. Review status: criteria provided, single submitter. Criteria: Ambry Variant Classification Scheme 2023. Collection method: clinical testing. Allele origin: germline.

Labcorp Genetics (formerly Invitae), Labcorp
Classification: Uncertain significance for Immunodeficiency 39. Last evaluated: 2022-07-12. Review status: criteria provided, single submitter. Criteria: Invitae Variant Classification Sherloc (09022015). Collection method: clinical testing. Allele origin: germline.
Comment: ClinVar contains an entry for this variant (Variation ID: 847664). This sequence change replaces glycine, which is neutral and non-polar, with glutamic acid, which is acidic and polar, at codon 376 of the IRF7 protein (p.Gly376Glu). This variant is present in population databases (no rsID available, gnomAD 0.003%). This variant has not been reported in the literature in individuals affected with IRF7-related conditions. Algorithms developed to predict the effect of missense changes on protein structure and function are either unavailable or do not agree on the potential impact of this missense change (SIFT: "Tolerated"; PolyPhen-2: "Probably Damaging"; Align-GVGD: "Class C0"). In summary, the available evidence is currently insufficient to determine the role of this variant in disease. Therefore, it has been classified as a Variant of Uncertain Significance.